The following is an entry in ClinVar:

NM_000501.4(ELN):c.799G>T (p.Gly267Cys)

Gene: ELN (elastin; plus strand). Cytogenetic location: 7q11.23.
Variant type: single nucleotide variant.
Coding change: c.799G>T on transcript NM_000501.4 (MANE Select); coding-DNA position 799, G replaced by T.
Protein change: p.Gly267Cys; replaces glycine 267 with cysteine.
Molecular consequence: missense variant.
Genome position (GRCh38, 1-based): chr7:74,048,556, G>T. VCF-style: chr7-74048556-G-T. GRCh37 (hg19) VCF-style: chr7-73462886-G-T.
Other names: c.769G>T, p.Gly257Cys (NM_001081752.3, NM_001278917.2); c.814G>T, p.Gly272Cys (NM_001081753.3, NM_001081754.3); c.799G>T, p.Gly267Cys (NM_001081755.3, NM_001278912.2, NM_001278915.2 and 1 more transcripts); c.691G>T, p.Gly231Cys (NM_001278913.2); c.784G>T, p.Gly262Cys (NM_001278914.2); c.757G>T, p.Gly253Cys (NM_001278916.2); c.667G>T, p.Gly223Cys (NM_001278918.2); short protein forms G223C, G231C, G253C, G257C, G262C, G267C, G272C.
Identifiers: ClinVar variation 3906557 (VCV003906557.1).

ClinVar aggregate classification (germline): Uncertain significance (1 of 4 stars; one submission).

Submission:

GeneDx
Classification: Uncertain significance. Last evaluated: 2024-12-12. Review status: criteria provided, single submitter. Criteria: GeneDx Variant Classification Process June 2021. Collection method: clinical testing. Allele origin: germline. Affected: yes.
Comment: Not observed at significant frequency in large population cohorts (gnomAD); In silico analysis supports that this missense variant has a deleterious effect on protein structure/function; Has not been previously published as pathogenic or benign to our knowledge